The following is an entry in ClinVar:

NM_000497.4(CYP11B1):c.348G>A (p.Trp116Ter)

Gene: CYP11B1 (cytochrome P450 family 11 subfamily B member 1; minus strand). Cytogenetic location: 8q24.3.
Variant type: single nucleotide variant.
Coding change: c.348G>A on transcript NM_000497.4 (MANE Select); coding-DNA position 348, G replaced by A.
Protein change: p.Trp116Ter; replaces tryptophan 116 with a stop codon.
Molecular consequence: nonsense.
Genome position (GRCh38, 1-based): chr8:142,879,079, C>T on the plus strand (G>A on the coding strand, the complement: CYP11B1 is on the minus strand). VCF-style: chr8-142879079-C-T. GRCh37 (hg19) VCF-style: chr8-143960495-C-T.
Other names: c.348G>A, p.Trp116Ter (NM_001026213.1); short protein forms W116*.
Identifiers: ClinVar variation 4281647 (VCV004281647.2).

ClinVar aggregate classification (germline): Pathogenic. Review status: criteria provided, multiple submitters, no conflicts (2 of 4 stars). 2 submissions from 2 submitters: Pathogenic (2). Last evaluated 2025-10-21.

Conditions:
Deficiency of steroid 11-beta-monooxygenase (CYP11B1). Also called: ADRENAL HYPERPLASIA, CONGENITAL, DUE TO STEROID 11-BETA-HYDROXYLASE DEFICIENCY; 11-BETA-HYDROXYLASE DEFICIENCY; P450C11B1 DEFICIENCY; STEROID 11-BETA-HYDROXYLASE DEFICIENCY; Congenital adrenal hyperplasia due to 11-beta-hydroxylase deficiency; ADRENAL HYPERPLASIA IV. Identifiers: Orphanet 90795, MedGen C0268292, MONDO:0008729, OMIM 202010. Disease mechanism: loss of function.
Differences in sex development.

Submissions (2):

NHS Central & South Genomic Laboratory Hub
Classification: Pathogenic for Differences in sex development. Last evaluated: 2025-10-21. Review status: criteria provided, single submitter. Criteria: ACMG Guidelines, 2015. Collection method: clinical testing. Allele origin: germline. Affected: yes.

Myriad Genetics, Inc.
Classification: Pathogenic for Deficiency of steroid 11-beta-monooxygenase. Last evaluated: 2024-04-01. Review status: criteria provided, single submitter. Criteria: Myriad Autosomal Dominant, Autosomal Recessive and X-Linked Classification Criteria (2023). Collection method: clinical testing. Allele origin: unknown.
Comment: NM_000497.3(CYP11B1):c.348G>A(W116*) is expected to be pathogenic in the context of congenital adrenal hyperplasia, CYP11B1-related. This variant is predicted to lead to an abnormal or absent protein product due to the creation of a premature termination codon in CYP11B1, a gene where loss-of-function variants are known to be pathogenic. Please note: this variant was assessed in the context of healthy population screening.